The following is an entry in ClinVar:

NM_000302.4(PLOD1):c.1651C>T (p.Pro551Ser)

Gene: PLOD1 (procollagen-lysine,2-oxoglutarate 5-dioxygenase 1; plus strand). Cytogenetic location: 1p36.22.
Variant type: single nucleotide variant.
Coding change: c.1651C>T on transcript NM_000302.4 (MANE Select); coding-DNA position 1651, C replaced by T.
Protein change: p.Pro551Ser; replaces proline 551 with serine.
Molecular consequence: missense variant.
Genome position (GRCh38, 1-based): chr1:11,966,987, C>T. VCF-style: chr1-11966987-C-T. GRCh37 (hg19) VCF-style: chr1-12027044-C-T.
Other names: c.1792C>T, p.Pro598Ser (NM_001316320.2); short protein forms P598S, P551S.
Identifiers: ClinVar variation 943878 (VCV000943878.7), dbSNP rs1324129456, ClinGen allele CA338447370.

ClinVar aggregate classification (germline): Uncertain significance (1 of 4 stars; one submission).

Conditions:
Ehlers-Danlos syndrome, kyphoscoliotic type 1 (EDSKSCL1). Also called: Ehlers-Danlos syndrome, hydroxylysine-deficient; EHLERS-DANLOS SYNDROME, TYPE VIA; EHLERS-DANLOS SYNDROME, OCULAR-SCOLIOTIC TYPE; PLOD1-Related Kyphoscoliotic Ehlers-Danlos Syndrome. Identifiers: Orphanet 1900, MedGen C0268342, MONDO:0016002, OMIM 225400. Disease mechanism: loss of function.

Allele frequency attached by ClinVar (database versions not stated): gnomAD exomes below 0.00001 and 0.00001.
gnomAD v4.1: 12 of 1,605,122 alleles (0.00075%); highest among the groups gnomAD compares: Non-Finnish European, 0.001%; no homozygotes.

Submission:

Labcorp Genetics (formerly Invitae), Labcorp
Classification: Uncertain significance for Ehlers-Danlos syndrome, kyphoscoliotic type 1. Last evaluated: 2021-08-26. Review status: criteria provided, single submitter. Criteria: Invitae Variant Classification Sherloc (09022015). Collection method: clinical testing. Allele origin: germline.
Comment: This sequence change replaces proline with serine at codon 551 of the PLOD1 protein (p.Pro551Ser). The proline residue is highly conserved and there is a moderate physicochemical difference between proline and serine. This variant is not present in population databases (ExAC no frequency). This variant has not been reported in the literature in individuals affected with PLOD1-related conditions. Algorithms developed to predict the effect of missense changes on protein structure and function (SIFT, PolyPhen-2, Align-GVGD) all suggest that this variant is likely to be disruptive. In summary, the available evidence is currently insufficient to determine the role of this variant in disease. Therefore, it has been classified as a Variant of Uncertain Significance.